The following is an entry in ClinVar:

ClinVar aggregate classification (germline): Benign. Review status: criteria provided, multiple submitters, no conflicts (2 of 4 stars). 8 submissions from 7 submitters: Benign (8). Last evaluated 2026-02-04.

Conditions:
Autosomal recessive nonsyndromic hearing loss 7. Also called: DEAFNESS, AUTOSOMAL RECESSIVE 11. Identifiers: Orphanet 90636, MedGen C1832978, MONDO:0010967, OMIM 600974.
Autosomal dominant nonsyndromic hearing loss 36. Identifiers: Orphanet 90635, MedGen C1847626, MONDO:0011708, OMIM 606705.

Allele frequency attached by ClinVar (database versions not stated): gnomAD exomes 0.18723 and 0.24074; ESP Exome Variant Server 0.20049; gnomAD 0.21988 and 0.22499; TOPMed 0.22507; ExAC 0.23811; 1000 Genomes Project 0.27636; 1000 Genomes Project 30x 0.27842.
gnomAD v4.1: 303,897 of 1,586,800 alleles (19%); highest among the groups gnomAD compares: East Asian, 40%; 32,970 homozygotes.

Submissions (8):

Labcorp Genetics (formerly Invitae), Labcorp
Classification: Benign. Last evaluated: 2026-02-04. Review status: criteria provided, single submitter. Criteria: Invitae Variant Classification Sherloc (09022015). Collection method: clinical testing. Allele origin: germline.

Mayo Clinic Laboratories, Mayo Clinic
Classification: Benign. Last evaluated: 2020-10-20. Review status: criteria provided, single submitter. Criteria: ACMG Guidelines, 2015. Collection method: clinical testing. Allele origin: germline. Observed: 56 variant alleles.

Illumina Laboratory Services, Illumina
Classification: Benign for Autosomal recessive nonsyndromic hearing loss 7. Last evaluated: 2018-01-13. Review status: criteria provided, single submitter. Criteria: ICSL Variant Classification Criteria 13 December 2019. Collection method: clinical testing. Allele origin: germline.
Comment: This variant was observed in the ICSL laboratory as part of a predisposition screen in an ostensibly healthy population. It had not been previously curated by ICSL or reported in the Human Gene Mutation Database (HGMD: prior to June 1st, 2018), and was therefore a candidate for classification through an automated scoring system. Utilizing variant allele frequency, disease prevalence and penetrance estimates, and inheritance mode, an automated score was calculated to assess if this variant is too frequent to cause the disease. Based on the score and internal cut-off values, a variant classified as benign is not then subjected to further curation. The score for this variant resulted in a classification of benign for this disease.

Illumina Laboratory Services, Illumina
Classification: Benign for Autosomal dominant nonsyndromic hearing loss 36. Last evaluated: 2018-01-13. Review status: criteria provided, single submitter. Criteria: ICSL Variant Classification Criteria 13 December 2019. Collection method: clinical testing. Allele origin: germline.
Comment: the same text as in the submission from Illumina Laboratory Services, Illumina above.

GeneDx
Classification: Benign. Last evaluated: 2017-05-09. Review status: criteria provided, single submitter. Criteria: GeneDx Variant Classification (06012015). Collection method: clinical testing. Allele origin: germline. Affected: yes.
Comment: This variant is considered likely benign or benign based on one or more of the following criteria: it is a conservative change, it occurs at a poorly conserved position in the protein, it is predicted to be benign by multiple in silico algorithms, and/or has population frequency not consistent with disease.

Laboratory for Molecular Medicine, Mass General Brigham Personalized Medicine
Classification: Benign. Last evaluated: 2009-06-23. Review status: criteria provided, single submitter. Criteria: LMM Criteria. Collection method: clinical testing. Allele origin: germline. Observed: 790 variant alleles.

Breakthrough Genomics
Classification: Benign. Review status: criteria provided, single submitter. Criteria: ACMG Guidelines, 2015. Collection method: not provided. Allele origin: germline. Inheritance: Autosomal recessive inheritance. Affected: yes.

PreventionGenetics, part of Exact Sciences
Classification: Benign. Review status: criteria provided, single submitter. Criteria: ACMG Guidelines, 2015. Collection method: clinical testing. Allele origin: germline.

Literature cited by the submitters: PubMed 16134132 (cited by Laboratory for Molecular Medicine, Mass General Brigham Personalized Medicine).

NM_138691.3(TMC1):c.241G>A (p.Glu81Lys)

Gene: TMC1 (transmembrane channel like 1; plus strand). Cytogenetic location: 9q21.13.
Variant type: single nucleotide variant.
Coding change: c.241G>A on transcript NM_138691.3 (MANE Select); coding-DNA position 241, G replaced by A.
Protein change: p.Glu81Lys; replaces glutamic acid 81 with lysine.
Molecular consequence: missense variant.
Genome position (GRCh38, 1-based): chr9:72,700,522, G>A. VCF-style: chr9-72700522-G-A. GRCh37 (hg19) VCF-style: chr9-75315438-G-A.
Other names: short protein forms E81K.
Identifiers: ClinVar variation 47869 (VCV000047869.19), dbSNP rs1796993, ClinGen allele CA142071.